The following is an entry in ClinVar:

NM_005633.4(SOS1):c.224A>G (p.Gln75Arg)

Gene: SOS1 (SOS Ras/Rac guanine nucleotide exchange factor 1; minus strand). Cytogenetic location: 2p22.1.
Variant type: single nucleotide variant.
Coding change: c.224A>G on transcript NM_005633.4 (MANE Select); coding-DNA position 224, A replaced by G.
Protein change: p.Gln75Arg; replaces glutamine 75 with arginine.
Molecular consequence: missense variant.
Genome position (GRCh38, 1-based): chr2:39,058,794, T>C on the plus strand (A>G on the coding strand, the complement: SOS1 is on the minus strand). VCF-style: chr2-39058794-T-C. GRCh37 (hg19) VCF-style: chr2-39285935-T-C.
Other names: c.203A>G, p.Gln68Arg (NM_001382394.1); c.224A>G, p.Gln75Arg (NM_001382395.1); short protein forms Q75R, Q68R.
Identifiers: ClinVar variation 1997428 (VCV001997428.4), dbSNP rs786205522, ClinGen allele CA346374046.

ClinVar aggregate classification (germline): Uncertain significance (1 of 4 stars; one submission).

Conditions:
RASopathy. Also called: rasopathies; Noonan spectrum disorder. Identifiers: Orphanet 536391, MedGen C5555857, MONDO:0021060.

Submission:

Labcorp Genetics (formerly Invitae), Labcorp
Classification: Uncertain significance for RASopathy. Last evaluated: 2025-03-31. Review status: criteria provided, single submitter. Criteria: Invitae Variant Classification Sherloc (09022015). Collection method: clinical testing. Allele origin: germline.
Comment: This sequence change replaces glutamine, which is neutral and polar, with arginine, which is basic and polar, at codon 75 of the SOS1 protein (p.Gln75Arg). This variant is not present in population databases (gnomAD no frequency). This variant has not been reported in the literature in individuals affected with SOS1-related conditions. ClinVar contains an entry for this variant (Variation ID: 1997428). Invitae Evidence Modeling of protein sequence and biophysical properties (such as structural, functional, and spatial information, amino acid conservation, physicochemical variation, residue mobility, and thermodynamic stability) has been performed for this missense variant. However, the output from this modeling did not meet the statistical confidence thresholds required to predict the impact of this variant on SOS1 protein function. In summary, the available evidence is currently insufficient to determine the role of this variant in disease. Therefore, it has been classified as a Variant of Uncertain Significance.